The following is an entry in ClinVar:

NM_022042.4(SLC26A1):c.975G>A (p.Thr325=)

Genes: IDUA (alpha-L-iduronidase; plus strand), SLC26A1 (solute carrier family 26 member 1; minus strand). Cytogenetic location: 4p16.3.
Variant type: single nucleotide variant.
Coding change: c.975G>A on transcript NM_022042.4 (MANE Select); coding-DNA position 975, G replaced by A.
Protein change: p.Thr325=; no amino-acid change (threonine 325 retained).
Molecular consequence: synonymous variant. On other transcripts: intron variant (2).
Genome position (GRCh38, 1-based): chr4:989,964, C>T on the plus strand (G>A on the coding strand, the complement: SLC26A1 is on the minus strand). VCF-style: chr4-989964-C-T. GRCh37 (hg19) VCF-style: chr4-983752-C-T.
Other names: c.975G>A (NM_022042.3); c.975G>A, p.Thr325= (NM_213613.4); c.576+1164G>A (NM_134425.4); c.299+2015C>T (NM_000203.5).
Identifiers: ClinVar variation 2852741 (VCV002852741.5), dbSNP rs554618177, ClinGen allele CA2801490.

ClinVar aggregate classification (germline): Conflicting classifications of pathogenicity. Review status: criteria provided, conflicting classifications (1 of 4 stars). 3 submissions from 3 submitters: Uncertain significance (1); Likely benign (1). 1 of the submissions does not count toward it. Last evaluated 2025-04-17.

Conditions:
Hypersulfaturia (HYSULF). Identifiers: MedGen C5830511, MONDO:0957268, OMIM 620372.
Nephrolithiasis susceptibility caused by SLC26A1 (CAON1). Also called: NEPHROLITHIASIS, CALCIUM OXALATE, 1. Identifiers: MedGen C5779632, MONDO:0020722, OMIM 167030.
SLC26A1-related disorder. Also called: SLC26A1-related condition.

Allele frequency attached by ClinVar (database versions not stated): gnomAD 0.00005; ExAC 0.00010; 1000 Genomes Project 0.00040; 1000 Genomes Project 30x 0.00062; TOPMed 0.00001; gnomAD exomes 0.00004.
gnomAD v4.1: 72 of 1,556,222 alleles (0.0046%); highest among the groups gnomAD compares: Middle Eastern, 0.27%; no homozygotes.

Submissions (3):

Labcorp Genetics (formerly Invitae), Labcorp
Classification: Likely benign. Last evaluated: 2025-04-17. Review status: criteria provided, single submitter. Criteria: Invitae Variant Classification Sherloc (09022015). Collection method: clinical testing. Allele origin: germline.

Fulgent Genetics
Classification: Uncertain significance for Nephrolithiasis susceptibility caused by SLC26A1; Hypersulfaturia. Last evaluated: 2024-05-15. Review status: criteria provided, single submitter. Criteria: ACMG Guidelines, 2015. Collection method: clinical testing. Allele origin: germline.

PreventionGenetics, part of Exact Sciences
Classification: Likely benign for SLC26A1-related condition. Last evaluated: 2024-03-07. Review status: no assertion criteria provided. Collection method: clinical testing. Allele origin: germline. Not counted in ClinVar's aggregate classification.
Comment: This variant is classified as likely benign based on ACMG/AMP sequence variant interpretation guidelines (Richards et al. 2015 PMID: 25741868, with internal and published modifications).